The following is an entry in ClinVar:

ClinVar aggregate classification (germline): Conflicting classifications of pathogenicity. Review status: criteria provided, conflicting classifications (1 of 4 stars). 2 submissions from 2 submitters: Likely pathogenic (1); Uncertain significance (1). Last evaluated 2024-10-05.

Conditions:
Juvenile polyposis syndrome (JPS). Identifiers: Orphanet 2929, MedGen C0345893, MONDO:0017380, OMIM 174900.
Hereditary cancer-predisposing syndrome. Also called: Hereditary Cancer Syndrome; Hereditary neoplastic syndrome; Neoplastic Syndromes, Hereditary; Tumor predisposition. Identifiers: Orphanet 140162, MedGen C0027672, MeSH D009386, MONDO:0015356.

Submissions (2):

Ambry Genetics
Classification: Uncertain significance for Hereditary cancer-predisposing syndrome. Last evaluated: 2024-10-05. Review status: criteria provided, single submitter. Criteria: Ambry Variant Classification Scheme 2023. Collection method: clinical testing. Allele origin: germline.
Comment: The c.675+2T>C intronic variant results from a T to C substitution two nucleotide after coding exon 6 in the BMPR1A gene. This nucleotide position is highly conserved in available vertebrate species. In silico splice site analysis predicts that this alteration will weaken the native splice donor site. Alterations that disrupt the canonical splice site are expected to cause aberrant splicing, resulting in an abnormal protein or a transcript that is subject to nonsense-mediated mRNA decay; however, +2T>C alterations are capable of generating wild-type transcripts in some genomic contexts and should be interpreted with caution (Lin JH et al. Hum Mutat. 2019 10;40:1856-1873). Based on the available evidence, the clinical significance of this alteration remains unclear.

Labcorp Genetics (formerly Invitae), Labcorp
Classification: Likely pathogenic for Juvenile polyposis syndrome. Last evaluated: 2024-01-18. Review status: criteria provided, single submitter. Criteria: Invitae Variant Classification Sherloc (09022015). Collection method: clinical testing. Allele origin: germline.
Comment: This sequence change affects a donor splice site in intron 8 of the BMPR1A gene. RNA analysis indicates that disruption of this splice site induces altered splicing and may result in an absent or disrupted protein product. This variant is not present in population databases (gnomAD no frequency). This variant has not been reported in the literature in individuals affected with BMPR1A-related conditions. Studies have shown that disruption of this splice site results in skipping of exon 8 and introduces a premature termination codon (Invitae). The resulting mRNA is expected to undergo nonsense-mediated decay. In summary, the currently available evidence indicates that the variant is pathogenic, but additional data are needed to prove that conclusively. Therefore, this variant has been classified as Likely Pathogenic.

NM_004329.3(BMPR1A):c.675+2T>C

Gene: BMPR1A (bone morphogenetic protein receptor type 1A; plus strand). Cytogenetic location: 10q23.2.
Variant type: single nucleotide variant.
Coding change: c.675+2T>C on transcript NM_004329.3 (MANE Select); the canonical splice donor site of the intron after coding-DNA position 675, T replaced by C.
Molecular consequence: splice donor variant. On other transcripts: intron variant (1).
Genome position (GRCh38, 1-based): chr10:86,912,386, T>C. VCF-style: chr10-86912386-T-C. GRCh37 (hg19) VCF-style: chr10-88672143-T-C.
Other names: c.675+2T>C (NM_004329.2, NM_001406562.1, NM_001406568.1 and 21 more transcripts); c.591+2T>C (NM_001406584.1, NM_001406588.1, NM_001406587.1 and 2 more transcripts); c.723+2T>C (NM_001406560.1); c.750+2T>C (NM_001406559.1); c.334-4748T>C (NM_001406589.1).
Identifiers: ClinVar variation 2873324 (VCV002873324.4), dbSNP rs2539574977, ClinGen allele CA377455276.